The following is an entry in ClinVar:

NM_015450.3(POT1):c.391A>G (p.Lys131Glu)

Gene: POT1 (protection of telomeres 1; minus strand). Cytogenetic location: 7q31.33.
Variant type: single nucleotide variant.
Coding change: c.391A>G on transcript NM_015450.3 (MANE Select); coding-DNA position 391, A replaced by G.
Protein change: p.Lys131Glu; replaces lysine 131 with glutamic acid.
Molecular consequence: missense variant. On other transcripts: 5 prime UTR variant (1), non-coding transcript variant (3).
Genome position (GRCh38, 1-based): chr7:124,863,505, T>C on the plus strand (A>G on the coding strand, the complement: POT1 is on the minus strand). VCF-style: chr7-124863505-T-C. GRCh37 (hg19) VCF-style: chr7-124503559-T-C.
Other names: c.-3A>G (NM_001042594.2); short protein forms K131E.
Identifiers: ClinVar variation 4673699 (VCV004673699.1).

ClinVar aggregate classification (germline): Uncertain significance (1 of 4 stars; one submission).

Conditions:
Hereditary cancer-predisposing syndrome. Also called: Neoplastic Syndromes, Hereditary; Tumor predisposition; Hereditary Cancer Syndrome; Hereditary neoplastic syndrome. Identifiers: Orphanet 140162, MedGen C0027672, MeSH D009386, MONDO:0015356.

Submission:

Ambry Genetics
Classification: Uncertain significance for Hereditary cancer-predisposing syndrome. Last evaluated: 2025-10-30. Review status: criteria provided, single submitter. Criteria: Ambry Variant Classification Scheme 2023. Collection method: clinical testing. Allele origin: germline.
Comment: The p.K131E variant (also known as c.391A>G), located in coding exon 4 of the POT1 gene, results from an A to G substitution at nucleotide position 391. The lysine at codon 131 is replaced by glutamic acid, an amino acid with similar properties. This amino acid position is conserved. In addition, this alteration is predicted to be tolerated by in silico analysis. Based on the available evidence, the clinical significance of this variant remains unclear.